The following is an entry in ClinVar:

NM_020778.4(ALPK3):c.151G>C (p.Ala51Pro)

Gene: ALPK3 (alpha kinase 3; plus strand). Cytogenetic location: 15q25.3.
Variant type: single nucleotide variant.
Coding change: c.151G>C on transcript NM_020778.4; coding-DNA position 151, G replaced by C.
Protein change: p.Ala51Pro; replaces alanine 51 with proline.
Genome position (GRCh38, 1-based): chr15:84,816,997, G>C. VCF-style: chr15-84816997-G-C. GRCh37 (hg19) VCF-style: chr15-85360228-G-C.
Other names: short protein forms A51P.
Identifiers: ClinVar variation 1774400 (VCV001774400.3), dbSNP rs750716031, ClinGen allele CA7708799.
Genomic context (GRCh38, chr15:84,816,997, plus strand): 5'-CTGGTTCTTTGGCTCCCTGGTCTCCCGCGGTCTAGCCCAAGCTGGCCAGCGGTTGACCTG[G>C]CTCCCCTGGCCCCGGCCAGGCCTCGTGGACCCCTCATATGCCACACGGGACATGAGCAGG-3'

ClinVar aggregate classification (germline): Uncertain significance (1 of 4 stars; one submission).

Conditions:
Cardiovascular phenotype. Identifiers: MedGen CN230736.

Allele frequency attached by ClinVar (database versions not stated): gnomAD exomes below 0.00001; ExAC 0.00002.

Submission:

Ambry Genetics
Classification: Uncertain significance for Cardiovascular phenotype. Last evaluated: 2025-06-01. Review status: criteria provided, single submitter. Criteria: Ambry Variant Classification Scheme 2023. Collection method: clinical testing. Allele origin: germline.
Comment: The p.A51P variant (also known as c.151G>C), located in coding exon 1 of the ALPK3 gene, results from a G to C substitution at nucleotide position 151. The alanine at codon 51 is replaced by proline, an amino acid with highly similar properties. This amino acid position is conserved. In addition, this alteration is predicted to be tolerated by in silico analysis. Since supporting evidence is limited at this time, the clinical significance of this alteration remains unclear.